The following is an entry in ClinVar:

ClinVar aggregate classification (germline): Likely benign (1 of 4 stars; one submission).

Conditions:
ASXL2-related disorder. Also called: ASXL2-related condition.

Submission:

PreventionGenetics, part of Exact Sciences
Classification: Likely benign for ASXL2-related condition. Last evaluated: 2019-06-13. Review status: criteria provided, single submitter. Criteria: ACMG Guidelines, 2015. Collection method: clinical testing. Allele origin: germline.
Comment: This variant is classified as likely benign based on ACMG/AMP sequence variant interpretation guidelines (Richards et al. 2015 PMID: 25741868, with internal and published modifications).

NM_018263.6(ASXL2):c.141-2A>G

Gene: ASXL2 (ASXL transcriptional regulator 2; minus strand). Cytogenetic location: 2p23.3.
Variant type: single nucleotide variant.
Coding change: c.141-2A>G on transcript NM_018263.6 (MANE Select); the canonical splice acceptor site of the intron before coding-DNA position 141, A replaced by G.
Molecular consequence: splice acceptor variant.
Genome position (GRCh38, 1-based): chr2:25,835,542, T>C on the plus strand (A>G on the coding strand, the complement: ASXL2 is on the minus strand). VCF-style: chr2-25835542-T-C. GRCh37 (hg19) VCF-style: chr2-26058411-T-C.
Identifiers: ClinVar variation 3039355 (VCV003039355.1), dbSNP rs2465450582, ClinGen allele CA346259402.